The following is an entry in ClinVar:

NM_018713.3(SLC30A10):c.284C>T (p.Thr95Ile)

Gene: SLC30A10 (solute carrier family 30 member 10; minus strand). Cytogenetic location: 1q41.
Variant type: single nucleotide variant.
Coding change: c.284C>T on transcript NM_018713.3 (MANE Select); coding-DNA position 284, C replaced by T.
Protein change: p.Thr95Ile; replaces threonine 95 with isoleucine.
Molecular consequence: missense variant. On other transcripts: non-coding transcript variant (1), intron variant (1).
Genome position (GRCh38, 1-based): chr1:219,928,157, G>A on the plus strand (C>T on the coding strand, the complement: SLC30A10 is on the minus strand). VCF-style: chr1-219928157-G-A. GRCh37 (hg19) VCF-style: chr1-220101499-G-A.
Other names: c.452-1052C>T (NM_001376929.1); short protein forms T95I.
Identifiers: ClinVar variation 295593 (VCV000295593.28), dbSNP rs188273166, ClinGen allele CA1399335.

ClinVar aggregate classification (germline): Conflicting classifications of pathogenicity. Review status: criteria provided, conflicting classifications (1 of 4 stars). 5 submissions from 5 submitters: Uncertain significance (3); Likely benign (2). Last evaluated 2026-09-30.

Conditions:
Hypermanganesemia with dystonia, polycythemia, and cirrhosis (HMNDYT1). Also called: Hepatic Cirrhosis, Dystonia, Polycythemia and Hypermanganesemia; Cirrhosis - dystonia - polycythemia - hypermanganesemia syndrome; Hypermanganesemia with Dystonia 1. Identifiers: Orphanet 309854, MedGen C2750442, MONDO:0013208, OMIM 613280.

Allele frequency attached by ClinVar (database versions not stated): ESP Exome Variant Server 0.00039; gnomAD exomes 0.00055 and 0.00093; gnomAD 0.00060; ExAC 0.00067; TOPMed 0.00071; 1000 Genomes Project 30x 0.00094; 1000 Genomes Project 0.00100.

Submissions (5):

GeneDx
Classification: Uncertain significance. Last evaluated: 2026-09-30. Review status: criteria provided, single submitter. Criteria: GeneDx Variant Classification Process June 2021. Collection method: clinical testing. Allele origin: germline.
Comment: Identified in the apparently homozygous state in a patient with Fabry disease and Parkinson disease who harbored a variant in the GLA gene (PMID: 31594250); Published functional studies suggest that T95I does not impair protein function (Ward et al., 2020); In silico analysis supports that this missense variant has a deleterious effect on protein structure/function; This variant is associated with the following publications: (PMID: 34315874, 35397106, 34216018, 36414535, 41689074, 39606337, 38336290, 31594250)

CeGaT Center for Human Genetics Tuebingen
Classification: Likely benign. Last evaluated: 2024-08-01. Review status: criteria provided, single submitter. Criteria: CeGaT Center For Human Genetics Tuebingen Variant Classification Criteria Version 2. Collection method: clinical testing. Allele origin: germline. Affected: yes. Observed: 1 variant allele.
Comment: SLC30A10: PP2, BS1

Labcorp Genetics (formerly Invitae), Labcorp
Classification: Uncertain significance. Last evaluated: 2022-10-14. Review status: criteria provided, single submitter. Criteria: Invitae Variant Classification Sherloc (09022015). Collection method: clinical testing. Allele origin: germline.
Comment: This sequence change replaces threonine, which is neutral and polar, with isoleucine, which is neutral and non-polar, at codon 95 of the SLC30A10 protein (p.Thr95Ile). This variant is present in population databases (rs188273166, gnomAD 0.08%), and has an allele count higher than expected for a pathogenic variant. This variant has not been reported in the literature in individuals affected with SLC30A10-related conditions. ClinVar contains an entry for this variant (Variation ID: 295593). Advanced modeling of protein sequence and biophysical properties (such as structural, functional, and spatial information, amino acid conservation, physicochemical variation, residue mobility, and thermodynamic stability) performed at Invitae indicates that this missense variant is expected to disrupt SLC30A10 protein function. In summary, the available evidence is currently insufficient to determine the role of this variant in disease. Therefore, it has been classified as a Variant of Uncertain Significance.

Women's Health and Genetics/Laboratory Corporation of America, LabCorp
Classification: Uncertain significance. Last evaluated: 2022-06-24. Review status: criteria provided, single submitter. Criteria: LabCorp Variant Classification Summary - May 2015. Collection method: clinical testing. Allele origin: germline.
Comment: Variant summary: SLC30A10 c.284C>T (p.Thr95Ile) results in a non-conservative amino acid change in the encoded protein sequence. Four of five in-silico tools predict a damaging effect of the variant on protein function. The variant allele was found at a frequency of 0.00055 in 161458 control chromosomes. This frequency does not allow conclusions about variant significance. c.284C>T has been reported in the literature as a VUS in an individual presenting with Fabry Disease and Parkinson's Disease who had a variant in the GLA gene (example, Gago_2020) and in a GWAS study that reported an association with symptoms of hypermanganesemia (example, Ward_2021). Immunofluorescence imaging analysis demonsrated evidence suggesting that it does not cause a deficit in protein trafficking to the membrane (Ward_2021). These report(s) do not provide unequivocal conclusions about association of the variant with Hypermanganesemia With Dystonia, Polycythemia, And Cirrhosis. To our knowledge, no experimental evidence demonstrating an impact on protein function has been reported. Three clinical diagnostic laboratories have submitted clinical-significance assessments for this variant to ClinVar after 2014 without evidence for independent evaluation. Based on the evidence outlined above, the variant was classified as uncertain significance.

Illumina Laboratory Services, Illumina
Classification: Likely benign for Hypermanganesemia with dystonia, polycythemia, and cirrhosis. Last evaluated: 2018-01-13. Review status: criteria provided, single submitter. Criteria: ICSL Variant Classification Criteria 13 December 2019. Collection method: clinical testing. Allele origin: germline.
Comment: This variant was observed in the ICSL laboratory as part of a predisposition screen in an ostensibly healthy population. It had not been previously curated by ICSL or reported in the Human Gene Mutation Database (HGMD: prior to June 1st, 2018), and was therefore a candidate for classification through an automated scoring system. Utilizing variant allele frequency, disease prevalence and penetrance estimates, and inheritance mode, an automated score was calculated to assess if this variant is too frequent to cause the disease. Based on the score and internal cut-off values, a variant classified as likely benign is not then subjected to further curation. The score for this variant resulted in a classification of likely benign for this disease.

Literature cited by the submitters: PubMed 31594250 (cited by Women's Health and Genetics/Laboratory Corporation of America, LabCorp); PubMed 34315874 (cited by Women's Health and Genetics/Laboratory Corporation of America, LabCorp).